The following is an entry in ClinVar:

ClinVar aggregate classification (germline): Likely benign (1 of 4 stars; one submission).

Submission:

Molecular Diagnostic Laboratory for Inherited Cardiovascular Disease, Montreal Heart Institute
Classification: Likely benign. Last evaluated: 2025-04-09. Review status: criteria provided, single submitter. Criteria: ACMG Guidelines, 2015. Collection method: clinical testing. Allele origin: germline. Affected: no.
Comment: BP7

NM_001267550.2(TTN):c.29544A>G (p.Arg9848=)

Gene: TTN (titin; minus strand). Cytogenetic location: 2q31.2.
Variant type: single nucleotide variant.
Coding change: c.29544A>G on transcript NM_001267550.2 (MANE Select); coding-DNA position 29544, A replaced by G.
Protein change: p.Arg9848=; no amino-acid change (arginine 9848 retained).
Molecular consequence: synonymous variant. On other transcripts: intron variant (3).
Genome position (GRCh38, 1-based): chr2:178,705,234, T>C on the plus strand (A>G on the coding strand, the complement: TTN is on the minus strand). VCF-style: chr2-178705234-T-C. GRCh37 (hg19) VCF-style: chr2-179569961-T-C.
Other names: c.28593A>G, p.Arg9531= (NM_001256850.1); c.25812A>G, p.Arg8604= (NM_133378.4); c.13282+32848A>G (NM_003319.4); c.13858+32848A>G (NM_133437.4); c.13657+32848A>G (NM_133432.3).
Identifiers: ClinVar variation 3894781 (VCV003894781.1).
Genomic context (GRCh38, chr2:178,705,234, plus strand): 5'-CAGTCTATGTGTCTCTTCTTCTTGGCTTTGCTTGAGCAGTTCAAATGCTTGAAGAAGACC[T>C]CGGAAGTCAGTGATTCCATACATGCGGGCATATTTTTCATATTCTTTAGGATCAACATTT-3'
Protein context (NP_001254479.2, residues 9838-9858): YARMYGITDF[Arg9848=]GLLQAFELLK